The following is an entry in ClinVar:

ClinVar aggregate classification (germline): Benign/Likely benign. Review status: criteria provided, multiple submitters, no conflicts (2 of 4 stars). 2 submissions from 2 submitters: Benign (1); Likely benign (1). Last evaluated 2024-11-11.

Conditions:
Hereditary cancer-predisposing syndrome. Also called: Neoplastic Syndromes, Hereditary; Tumor predisposition; Hereditary neoplastic syndrome; Hereditary Cancer Syndrome. Identifiers: Orphanet 140162, MedGen C0027672, MeSH D009386, MONDO:0015356.
Familial adenomatous polyposis 1 (FAP1). Also called: POLYPOSIS, ADENOMATOUS INTESTINAL; FAMILIAL ADENOMATOUS POLYPOSIS 1, ATTENUATED. Identifiers: MedGen C2713442, MONDO:0021056, OMIM 175100. Disease mechanism: loss of function.

Submissions (2):

Ambry Genetics
Classification: Likely benign for Hereditary cancer-predisposing syndrome. Last evaluated: 2024-11-11. Review status: criteria provided, single submitter. Criteria: Ambry Variant Classification Scheme 2023. Collection method: clinical testing. Allele origin: germline.

Myriad Genetics, Inc.
Classification: Benign for Familial adenomatous polyposis 1. Last evaluated: 2024-03-18. Review status: criteria provided, single submitter. Criteria: Myriad Autosomal Dominant, Autosomal Recessive and X-Linked Classification Criteria (2023). Collection method: clinical testing. Allele origin: unknown.
Comment: This variant is considered benign. This variant is a silent/synonymous amino acid change and it is not expected to impact splicing.

NM_000038.6(APC):c.3036T>C (p.Asn1012=)

Gene: APC (APC regulator of Wnt signaling pathway; plus strand). Cytogenetic location: 5q22.2.
Variant type: single nucleotide variant.
Coding change: c.3036T>C on transcript NM_000038.6 (MANE Select); coding-DNA position 3036, T replaced by C.
Protein change: p.Asn1012=; no amino-acid change (asparagine 1012 retained).
Molecular consequence: synonymous variant. On other transcripts: non-coding transcript variant (2).
Genome position (GRCh38, 1-based): chr5:112,838,630, T>C. VCF-style: chr5-112838630-T-C. GRCh37 (hg19) VCF-style: chr5-112174327-T-C.
Other names: c.3036T>C, p.Asn1012= (NM_001127510.3, NM_001354895.2, NM_001407450.1); c.2982T>C, p.Asn994= (NM_001127511.3); c.3090T>C, p.Asn1030= (NM_001354896.2, NM_001407447.1, NM_001407448.1 and 1 more transcripts); c.3066T>C, p.Asn1022= (NM_001354897.2); c.2961T>C, p.Asn987= (NM_001354898.2); c.2952T>C, p.Asn984= (NM_001354899.2); c.2913T>C, p.Asn971= (NM_001354900.2); c.2859T>C, p.Asn953= (NM_001354901.2, NM_001407453.1); and 12 more.
Identifiers: ClinVar variation 3148027 (VCV003148027.2), dbSNP rs2149882824, ClinGen allele CA445963141.